The following is an entry in ClinVar:

NM_000587.4(C7):c.1372C>T (p.Arg458Trp)

Gene: C7 (complement C7; plus strand). Cytogenetic location: 5p13.1.
Variant type: single nucleotide variant.
Coding change: c.1372C>T on transcript NM_000587.4 (MANE Select); coding-DNA position 1372, C replaced by T.
Protein change: p.Arg458Trp; replaces arginine 458 with tryptophan.
Molecular consequence: missense variant.
Genome position (GRCh38, 1-based): chr5:40,958,144, C>T. VCF-style: chr5-40958144-C-T. GRCh37 (hg19) VCF-style: chr5-40958246-C-T.
Other names: c.1372C>T (NM_000587.2); short protein forms R458W.
Identifiers: ClinVar variation 1398288 (VCV001398288.8), dbSNP rs201260295, ClinGen allele CA3249947.

ClinVar aggregate classification (germline): Uncertain significance. Review status: criteria provided, multiple submitters, no conflicts (2 of 4 stars). 3 submissions from 3 submitters: Uncertain significance (3). Last evaluated 2025-10-28.

Conditions:
Inborn genetic diseases. Identifiers: MedGen C0950123, MeSH D030342.

Allele frequency attached by ClinVar (database versions not stated): TOPMed 0.00005; gnomAD 0.00006 and 0.00007; ESP Exome Variant Server 0.00008; gnomAD exomes 0.00012; ExAC 0.00013; 1000 Genomes Project 30x 0.00016; 1000 Genomes Project 0.00020.
gnomAD v4.1: 133 of 1,613,774 alleles (0.0082%); highest among the groups gnomAD compares: Middle Eastern, 0.05%; no homozygotes.

Submissions (3):

Ambry Genetics
Classification: Uncertain significance for Inborn genetic diseases. Last evaluated: 2025-10-28. Review status: criteria provided, single submitter. Criteria: Ambry Variant Classification Scheme 2023. Collection method: clinical testing. Allele origin: germline.

Blueprint Genetics
Classification: Uncertain significance. Last evaluated: 2024-10-24. Review status: criteria provided, single submitter. Criteria: ACMG Guidelines, 2015. Collection method: clinical testing. Allele origin: germline.

Labcorp Genetics (formerly Invitae), Labcorp
Classification: Uncertain significance. Last evaluated: 2022-07-26. Review status: criteria provided, single submitter. Criteria: Invitae Variant Classification Sherloc (09022015). Collection method: clinical testing. Allele origin: germline.
Comment: This sequence change replaces arginine, which is basic and polar, with tryptophan, which is neutral and slightly polar, at codon 458 of the C7 protein (p.Arg458Trp). This variant is present in population databases (rs201260295, gnomAD 0.05%). This variant has not been reported in the literature in individuals affected with C7-related conditions. ClinVar contains an entry for this variant (Variation ID: 1398288). Algorithms developed to predict the effect of missense changes on protein structure and function are either unavailable or do not agree on the potential impact of this missense change (SIFT: "Deleterious"; PolyPhen-2: "Probably Damaging"; Align-GVGD: "Class C0"). In summary, the available evidence is currently insufficient to determine the role of this variant in disease. Therefore, it has been classified as a Variant of Uncertain Significance.